The following is an entry in ClinVar:

ClinVar aggregate classification (germline): Uncertain significance. Review status: criteria provided, multiple submitters, no conflicts (2 of 4 stars). 2 submissions from 2 submitters: Uncertain significance (2). Last evaluated 2024-07-17.

Conditions:
Gastrointestinal stromal tumor. Also called: Gastrointestinal stroma tumor; Gastrointestinal stromal tumor, somatic. Identifiers: Orphanet 44890, MedGen C0238198, MeSH D046152, MONDO:0011719, OMIM 606764, HP:0100723.

Allele frequency attached by ClinVar (database versions not stated): gnomAD exomes below 0.00001; ExAC 0.00001; TOPMed 0.00001; gnomAD 0.00002.
gnomAD v4.1: 7 of 1,611,066 alleles (0.00043%); highest among the groups gnomAD compares: Non-Finnish European, 0.00059%; no homozygotes.

Submissions (2):

Labcorp Genetics (formerly Invitae), Labcorp
Classification: Uncertain significance for Gastrointestinal stromal tumor. Last evaluated: 2024-07-17. Review status: criteria provided, single submitter. Criteria: Invitae Variant Classification Sherloc (09022015). Collection method: clinical testing. Allele origin: germline.
Comment: This sequence change falls in intron 4 of the KIT gene. It does not directly change the encoded amino acid sequence of the KIT protein. This variant is present in population databases (rs760308110, gnomAD 0.0009%). This variant has not been reported in the literature in individuals affected with KIT-related conditions. ClinVar contains an entry for this variant (Variation ID: 458968). Algorithms developed to predict the effect of sequence changes on RNA splicing suggest that this variant may disrupt the consensus splice site. In summary, the available evidence is currently insufficient to determine the role of this variant in disease. Therefore, it has been classified as a Variant of Uncertain Significance.

GeneDx
Classification: Uncertain significance. Last evaluated: 2023-12-21. Review status: criteria provided, single submitter. Criteria: GeneDx Variant Classification Process June 2021. Collection method: clinical testing. Allele origin: germline. Affected: yes.
Comment: Not observed at significant frequency in large population cohorts (gnomAD); In silico analysis supports a deleterious effect on splicing; Has not been previously published as pathogenic or benign to our knowledge

NM_000222.3(KIT):c.757-7C>G

Gene: KIT (KIT proto-oncogene, receptor tyrosine kinase; plus strand). Cytogenetic location: 4q12.
Variant type: single nucleotide variant.
Coding change: c.757-7C>G on transcript NM_000222.3 (MANE Select); 7 bases into the intron before coding-DNA position 757, C replaced by G.
Molecular consequence: intron variant.
Genome position (GRCh38, 1-based): chr4:54,703,717, C>G. VCF-style: chr4-54703717-C-G. GRCh37 (hg19) VCF-style: chr4-55569883-C-G.
Other names: c.757-4C>G (NM_001385284.1, NM_001385290.1, NM_001385288.1 and 1 more transcripts); c.757-7C>G (NM_001385285.1, NM_001093772.2, NM_001385286.1).
Identifiers: ClinVar variation 458968 (VCV000458968.11), dbSNP rs760308110, ClinGen allele CA2923317.